The following is an entry in ClinVar:

NM_001130823.3(DNMT1):c.3255C>T (p.Pro1085=)

Gene: DNMT1 (DNA methyltransferase 1; minus strand). Cytogenetic location: 19p13.2.
Variant type: single nucleotide variant.
Coding change: c.3255C>T on transcript NM_001130823.3 (MANE Select); coding-DNA position 3255, C replaced by T.
Protein change: p.Pro1085=; no amino-acid change (proline 1085 retained).
Molecular consequence: synonymous variant.
Genome position (GRCh38, 1-based): chr19:10,142,082, G>A on the plus strand (C>T on the coding strand, the complement: DNMT1 is on the minus strand). VCF-style: chr19-10142082-G-A. GRCh37 (hg19) VCF-style: chr19-10252758-G-A.
Other names: p.Pro1085=; c.3207C>T, p.Pro1069= (NM_001318730.2, NM_001379.4); c.2892C>T, p.Pro964= (NM_001318731.2).
Identifiers: ClinVar variation 2440975 (VCV002440975.7), dbSNP rs375882181, ClinGen allele CA9187803.
Genomic context (GRCh38, chr19:10,142,082, plus strand): 5'-CACCACCTCGAGGAAGTAGAAGCGGTTGGGGCCGCCCATGGAGTACACCTGGACGCACTC[G>A]GGCAGGTCCTCCCCATACTCCACGGTGCAGCGGCCCTGCACAGCCTTGAAGTCCACCACG-3'
Protein context (NP_001124295.1, residues 1075-1095): RCTVEYGEDL[Pro1085=]ECVQVYSMGG

ClinVar aggregate classification (germline): Conflicting classifications of pathogenicity. Review status: criteria provided, conflicting classifications (1 of 4 stars). 3 submissions from 3 submitters: Uncertain significance (1); Likely benign (2). Last evaluated 2025-10-22.

Conditions:
Hereditary sensory neuropathy-deafness-dementia syndrome. Also called: NEUROPATHY, HEREDITARY SENSORY, WITH HEARING LOSS AND DEMENTIA; Hereditary sensory neuropathy type IE; HSN IE; Hereditary Sensory and Autonomic Neuropathy Type 1E (HSAN1E). Identifiers: Orphanet 456318, MedGen C3279885, MONDO:0013584, OMIM 614116.

Allele frequency attached by ClinVar (database versions not stated): ExAC 0.00001; gnomAD exomes 0.00001; TOPMed 0.00001; gnomAD 0.00003; ESP Exome Variant Server 0.00008.
gnomAD v4.1: 20 of 1,611,012 alleles (0.0012%); highest among the groups gnomAD compares: African/African-American, 0.004%; no homozygotes.

Submissions (3):

Labcorp Genetics (formerly Invitae), Labcorp
Classification: Likely benign for Hereditary sensory neuropathy-deafness-dementia syndrome. Last evaluated: 2025-10-22. Review status: criteria provided, single submitter. Criteria: Invitae Variant Classification Sherloc (09022015). Collection method: clinical testing. Allele origin: germline.

Mayo Clinic Laboratories, Mayo Clinic
Classification: Likely benign. Last evaluated: 2024-10-22. Review status: criteria provided, single submitter. Criteria: ACMG Guidelines, 2015. Collection method: clinical testing. Allele origin: germline. Observed: 1 variant allele.
Comment: BP4, BP7

Revvity Omics, Revvity
Classification: Uncertain significance. Last evaluated: 2019-03-15. Review status: criteria provided, single submitter. Criteria: ACMG Guidelines, 2015. Collection method: clinical testing. Allele origin: germline.